The following is an entry in ClinVar:

ClinVar aggregate classification (germline): Uncertain significance. Review status: criteria provided, multiple submitters, no conflicts (2 of 4 stars). 5 submissions from 5 submitters: Uncertain significance (5). Last evaluated 2025-12-11.

Conditions:
Hereditary cancer-predisposing syndrome. Also called: Neoplastic Syndromes, Hereditary; Tumor predisposition; Hereditary neoplastic syndrome; Hereditary Cancer Syndrome. Identifiers: Orphanet 140162, MedGen C0027672, MeSH D009386, MONDO:0015356.
Endometrial carcinoma. Also called: Endometrial carcinoma, somatic. Identifiers: MedGen C0476089, MONDO:0002447, OMIM 608089, HP:0012114.

Allele frequency attached by ClinVar (database versions not stated): ExAC 0.00001; gnomAD exomes 0.00001; TOPMed 0.00003; gnomAD 0.00004.
gnomAD v4.1: 73 of 1,612,608 alleles (0.0045%); highest among the groups gnomAD compares: Non-Finnish European, 0.0061%; no homozygotes.

Submissions (5):

Labcorp Genetics (formerly Invitae), Labcorp
Classification: Uncertain significance. Last evaluated: 2025-12-11. Review status: criteria provided, single submitter. Criteria: Invitae Variant Classification Sherloc (09022015). Collection method: clinical testing. Allele origin: germline.
Comment: This sequence change replaces aspartic acid, which is acidic and polar, with histidine, which is basic and polar, at codon 185 of the MSH3 protein (p.Asp185His). This variant is present in population databases (rs746425286, gnomAD 0.002%). This variant has not been reported in the literature in individuals affected with MSH3-related conditions. ClinVar contains an entry for this variant (Variation ID: 662137). An algorithm developed to predict the effect of missense changes on protein structure and function (PolyPhen-2) suggests that this variant is likely to be tolerated. In summary, the available evidence is currently insufficient to determine the role of this variant in disease. Therefore, it has been classified as a Variant of Uncertain Significance.

Ambry Genetics
Classification: Uncertain significance for Hereditary cancer-predisposing syndrome. Last evaluated: 2024-03-04. Review status: criteria provided, single submitter. Criteria: Ambry Variant Classification Scheme 2023. Collection method: clinical testing. Allele origin: germline.
Comment: The p.D185H variant (also known as c.553G>C), located in coding exon 3 of the MSH3 gene, results from a G to C substitution at nucleotide position 553. The aspartic acid at codon 185 is replaced by histidine, an amino acid with similar properties. This amino acid position is well conserved in available vertebrate species. In addition, the in silico prediction for this alteration is inconclusive. Since supporting evidence is limited at this time, the clinical significance of this alteration remains unclear.

Baylor Genetics
Classification: Uncertain significance for Endometrial carcinoma. Last evaluated: 2024-01-19. Review status: criteria provided, single submitter. Criteria: ACMG Guidelines, 2015. Collection method: clinical testing. Allele origin: unknown.

GeneDx
Classification: Uncertain significance. Last evaluated: 2023-02-13. Review status: criteria provided, single submitter. Criteria: GeneDx Variant Classification Process June 2021. Collection method: clinical testing. Allele origin: germline. Affected: yes.
Comment: Not observed at significant frequency in large population cohorts (gnomAD); In silico analysis supports that this missense variant has a deleterious effect on protein structure/function; Has not been previously published as pathogenic or benign to our knowledge

Sema4
Classification: Uncertain significance for Hereditary cancer-predisposing syndrome. Last evaluated: 2021-09-15. Review status: criteria provided, single submitter. Criteria: Sema4 Curation Guidelines. Collection method: curation. Allele origin: germline.
Comment: The MSH3 c.553G>C (p.D185H) variant has not been reported in the literature to our knowledge. It was observed in 3/113520 chromosomes of the European (non-Finnish) subpopulation in the large and broad cohorts of the Genome Aggregation Database (PMID: 32461654), and has been reported in ClinVar (Variation ID 662137). Functional studies have not been performed, and in silico predictions of the variant's effect on protein function are inconclusive. The evidence is insufficient to meet ACMG/AMP criteria for classifying the variant as benign or pathogenic. Thus, the clinical significance of this variant is currently uncertain.

NM_002439.5(MSH3):c.553G>C (p.Asp185His)

Gene: MSH3 (mutS homolog 3; plus strand). Cytogenetic location: 5q14.1.
Variant type: single nucleotide variant.
Coding change: c.553G>C on transcript NM_002439.5 (MANE Select); coding-DNA position 553, G replaced by C.
Protein change: p.Asp185His; replaces aspartic acid 185 with histidine.
Molecular consequence: missense variant.
Genome position (GRCh38, 1-based): chr5:80,665,337, G>C. VCF-style: chr5-80665337-G-C. GRCh37 (hg19) VCF-style: chr5-79961156-G-C.
Other names: short protein forms D185H.
Identifiers: ClinVar variation 662137 (VCV000662137.13), dbSNP rs746425286, ClinGen allele CA3327630.
Genomic context (GRCh38, chr5:80,665,337, plus strand): 5'-AAATGTACTGATTTTGATGATATCAGTCTTCTACACGCAAAGAATGCAGTTTCTTCTGAA[G>C]ATTCGAAACGTCAAATTAATCAAAAGGTATGTAACTGCTATAGATGAGTATCCAGTTACC-3'
Protein context (NP_002430.3, residues 175-195): LHAKNAVSSE[Asp185His]SKRQINQKDT